The following is an entry in ClinVar:

NM_000540.3(RYR1):c.6261G>C (p.Glu2087Asp)

Gene: RYR1 (ryanodine receptor 1; plus strand). Cytogenetic location: 19q13.2.
Variant type: single nucleotide variant.
Coding change: c.6261G>C on transcript NM_000540.3 (MANE Select); coding-DNA position 6261, G replaced by C.
Protein change: p.Glu2087Asp; replaces glutamic acid 2087 with aspartic acid.
Molecular consequence: missense variant.
Genome position (GRCh38, 1-based): chr19:38,492,623, G>C. VCF-style: chr19-38492623-G-C. GRCh37 (hg19) VCF-style: chr19-38983263-G-C.
Other names: c.6261G>C, p.Glu2087Asp (NM_001042723.2); short protein forms E2087D.
Identifiers: ClinVar variation 2435499 (VCV002435499.4), dbSNP rs376623643, ClinGen allele CA067964.

ClinVar aggregate classification (germline): Uncertain significance. Review status: criteria provided, multiple submitters, no conflicts (2 of 4 stars). 2 submissions from 2 submitters: Uncertain significance (2). Last evaluated 2025-05-21.

Conditions:
Malignant hyperthermia, susceptibility to, 1 (MHS1). Also called: Anesthesia related hyperthermia; Malignant hyperpyrexia; Fulminating hyperpyrexia; Pharmacogenic myopathy; Malignant hyperthermia suceptibility 1; RYR1-Related Malignant Hyperthermia Susceptibility. Identifiers: Orphanet 423, MedGen C2930980, MONDO:0007783, OMIM 145600.

Allele frequency attached by ClinVar (database versions not stated): ESP Exome Variant Server 0.00008.
gnomAD v4.1: 24 of 1,612,322 alleles (0.0015%); highest among the groups gnomAD compares: Non-Finnish European, 0.002%; no homozygotes.

Submissions (2):

Color Diagnostics, LLC DBA Color Health
Classification: Uncertain significance for Malignant hyperthermia, susceptibility to, 1. Last evaluated: 2025-05-21. Review status: criteria provided, single submitter. Criteria: ACMG Guidelines, 2015. Collection method: clinical testing. Allele origin: germline.
Comment: This missense variant replaces glutamic acid with aspartic acid at codon 2087 of the RYR1 protein. Computational prediction suggests that this variant may not impact protein structure and function. To our knowledge, functional studies have not been reported for this variant. This variant has not been reported in individuals affected with RYR1-related disorders in the literature. This variant has been identified in 2/246246 chromosomes in the general population by the Genome Aggregation Database (gnomAD). The available evidence is insufficient to determine the role of this variant in disease conclusively. Therefore, this variant is classified as a Variant of Uncertain Significance.

Revvity Omics, Revvity
Classification: Uncertain significance. Last evaluated: 2019-07-09. Review status: criteria provided, single submitter. Criteria: ACMG Guidelines, 2015. Collection method: clinical testing. Allele origin: germline.